The following is an entry in ClinVar:

ClinVar aggregate classification (germline): Uncertain significance (1 of 4 stars; one submission).

Conditions:
Inborn genetic diseases. Identifiers: MedGen C0950123, MeSH D030342.

Submission:

Ambry Genetics
Classification: Uncertain significance for Inborn genetic diseases. Last evaluated: 2021-02-19. Review status: criteria provided, single submitter. Criteria: Ambry Variant Classification Scheme 2023. Collection method: clinical testing. Allele origin: germline.
Comment: The c.734_736delGAG (p.G245del) alteration is located in exon 7 (coding exon 7) of the SET gene. This alteration consists of an in-frame deletion of 3 nucleotides between nucleotide positions c.734 and c.736, resulting in the deletion of <NA> residues. Based on insufficient or conflicting evidence, the clinical significance of this alteration remains unclear.

NM_003011.4(SET):c.695_697del (p.Gly232del)

Gene: SET (SET nuclear proto-oncogene; plus strand). Cytogenetic location: 9q34.11.
Variant type: Deletion.
Coding change: c.695_697del on transcript NM_003011.4 (MANE Select); coding-DNA positions 695 to 697, 3 bases deleted (GAG; older notation c.695_697delGAG).
Protein change: p.Gly232del; deletes glycine 232.
Molecular consequence: inframe deletion.
Genome position (GRCh38, 1-based): chr9:128,693,927-128,693,929, GAG deleted; deleting any 3 consecutive bases within chr9:128,693,925-128,693,929 gives the same sequence; the c. name uses the placement nearest the transcript's 3' end. VCF-style (leftmost placement, unchanged base first): chr9-128693924-AAGG-A. GRCh37 (hg19) VCF-style: chr9-131456203-AAGG-A.
Other names: c.734_736del, p.Gly245del (NM_001122821.2, NM_001374326.1); c.668_670del, p.Gly223del (NM_001248000.2); c.662_664del, p.Gly221del (NM_001248001.2); short protein forms G245del, G223del, G232del, G221del.
Identifiers: ClinVar variation 2228636 (VCV002228636.2), dbSNP rs763198408, ClinGen allele CA5267083.